The following is an entry in ClinVar:

NM_001385641.1(SAMD11):c.1457C>T (p.Ala486Val)

Gene: SAMD11 (sterile alpha motif domain containing 11; plus strand). Cytogenetic location: 1p36.33.
Variant type: single nucleotide variant.
Coding change: c.1457C>T on transcript NM_001385641.1 (MANE Select); coding-DNA position 1457, C replaced by T.
Protein change: p.Ala486Val; replaces alanine 486 with valine.
Molecular consequence: missense variant.
Genome position (GRCh38, 1-based): chr1:942,234, C>T. VCF-style: chr1-942234-C-T. GRCh37 (hg19) VCF-style: chr1-877614-C-T.
Other names: c.1460C>T, p.Ala487Val (NM_001385640.1); c.968C>T, p.Ala323Val (NM_152486.4); short protein forms A487V, A323V, A486V.
Identifiers: ClinVar variation 1406581 (VCV001406581.5), dbSNP rs749139697, ClinGen allele CA502912.

ClinVar aggregate classification (germline): Uncertain significance (1 of 4 stars; one submission).

Allele frequency attached by ClinVar (database versions not stated): gnomAD 0.00001; TOPMed 0.00001; ExAC 0.00004.
gnomAD v4.1: 10 of 1,341,102 alleles (0.00075%); highest among the groups gnomAD compares: South Asian, 0.0036%; no homozygotes.

Submission:

Labcorp Genetics (formerly Invitae), Labcorp
Classification: Uncertain significance. Last evaluated: 2021-09-01. Review status: criteria provided, single submitter. Criteria: Invitae Variant Classification Sherloc (09022015). Collection method: clinical testing. Allele origin: germline.
Comment: This sequence change replaces alanine with valine at codon 323 of the SAMD11 protein (p.Ala323Val). The alanine residue is highly conserved and there is a small physicochemical difference between alanine and valine. This variant is present in population databases (rs749139697, ExAC 0.05%). This variant has not been reported in the literature in individuals affected with SAMD11-related conditions. Algorithms developed to predict the effect of missense changes on protein structure and function are either unavailable or do not agree on the potential impact of this missense change (SIFT: "Deleterious"; PolyPhen-2: "Probably Damaging"; Align-GVGD: "Class C0"). In summary, the available evidence is currently insufficient to determine the role of this variant in disease. Therefore, it has been classified as a Variant of Uncertain Significance.